The following is an entry in ClinVar:

ClinVar aggregate classification (germline): Uncertain significance (1 of 4 stars; one submission).

gnomAD v4.1: 1 of 1,590,282 alleles (0.000063%); no homozygotes.

Submission:

Labcorp Genetics (formerly Invitae), Labcorp
Classification: Uncertain significance. Last evaluated: 2023-07-07. Review status: criteria provided, single submitter. Criteria: Invitae Variant Classification Sherloc (09022015). Collection method: clinical testing. Allele origin: germline.
Comment: This sequence change creates a premature translational stop signal (p.Glu129*) in the FSCN2 gene. It is expected to result in an absent or disrupted protein product. However, the current clinical and genetic evidence is not sufficient to establish whether loss-of-function variants in FSCN2 cause disease. This variant is not present in population databases (gnomAD no frequency). In summary, the available evidence is currently insufficient to determine the role of this variant in disease. Therefore, it has been classified as a Variant of Uncertain Significance. This variant has not been reported in the literature in individuals affected with FSCN2-related conditions.

NM_012418.4(FSCN2):c.385G>T (p.Glu129Ter)

Gene: FSCN2 (fascin actin-bundling protein 2, retinal; plus strand). Cytogenetic location: 17q25.3.
Variant type: single nucleotide variant.
Coding change: c.385G>T on transcript NM_012418.4 (MANE Select); coding-DNA position 385, G replaced by T.
Protein change: p.Glu129Ter; replaces glutamic acid 129 with a stop codon.
Molecular consequence: nonsense.
Genome position (GRCh38, 1-based): chr17:81,528,916, G>T. VCF-style: chr17-81528916-G-T. GRCh37 (hg19) VCF-style: chr17-79495942-G-T.
Other names: c.385G>T, p.Glu129Ter (NM_001077182.3); short protein forms E129*.
Identifiers: ClinVar variation 2737493 (VCV002737493.3), dbSNP rs990052303, ClinGen allele CA401470816.